The following is an entry in ClinVar:

NM_172240.3(POC1B):c.488G>A (p.Ser163Asn)

Genes: POC1B (POC1 centriolar protein B; minus strand), POC1B-DUSP6 (POC1B-DUSP6 readthrough; minus strand). Cytogenetic location: 12q21.33.
Variant type: single nucleotide variant.
Coding change: c.488G>A on transcript NM_172240.3 (MANE Select); coding-DNA position 488, G replaced by A.
Protein change: p.Ser163Asn; replaces serine 163 with asparagine.
Molecular consequence: missense variant. On other transcripts: non-coding transcript variant (2).
Genome position (GRCh38, 1-based): chr12:89,472,240, C>T on the plus strand (G>A on the coding strand, the complement: POC1B is on the minus strand). VCF-style: chr12-89472240-C-T. GRCh37 (hg19) VCF-style: chr12-89866017-C-T.
Other names: c.362G>A, p.Ser121Asn (NM_001199777.2); short protein forms S121N, S163N.
Identifiers: ClinVar variation 2074621 (VCV002074621.4), dbSNP rs2540446116, ClinGen allele CA385998429.

ClinVar aggregate classification (germline): Uncertain significance (1 of 4 stars; one submission).

Allele frequency attached by ClinVar (database versions not stated): gnomAD exomes below 0.00001.

Submission:

Labcorp Genetics (formerly Invitae), Labcorp
Classification: Uncertain significance. Last evaluated: 2022-01-04. Review status: criteria provided, single submitter. Criteria: Invitae Variant Classification Sherloc (09022015). Collection method: clinical testing. Allele origin: germline.
Comment: In summary, the available evidence is currently insufficient to determine the role of this variant in disease. Therefore, it has been classified as a Variant of Uncertain Significance. This sequence change replaces serine, which is neutral and polar, with asparagine, which is neutral and polar, at codon 163 of the POC1B protein (p.Ser163Asn). This variant is not present in population databases (gnomAD no frequency). This variant has not been reported in the literature in individuals affected with POC1B-related conditions. Advanced modeling of protein sequence and biophysical properties (such as structural, functional, and spatial information, amino acid conservation, physicochemical variation, residue mobility, and thermodynamic stability) performed at Invitae indicates that this missense variant is expected to disrupt POC1B protein function.